The following is an entry in ClinVar:

NC_000005.9:g.149505067_149505080delins[g.149502629_149502780dup]

Gene: PDGFRB (platelet derived growth factor receptor beta; minus strand). Cytogenetic location: 5q32.
Variant type: Complex.
Identifiers: ClinVar variation 691863 (VCV000691863.4).

ClinVar aggregate classification (germline): drug response (1 of 4 stars; one submission).

Conditions:
Imatinib response. Also called: Gleevec response. Identifiers: MedGen CN077988.

Submission:

UT Southwestern Medical Center
Classification: drug response for Imatinib response. Last evaluated: 2019-09-09. Review status: criteria provided, single submitter. Criteria: Submitter's publication. Collection method: clinical testing, in vivo, in vitro. Allele origin: somatic, not applicable. Affected: yes. Observed: 1 heterozygote. Functional consequence: Increased function.
Comment: The variant in PDGRFB has been reported in a patient with multi focal infantile myofibromatosis (Hassan 2019) and was reported to be activating, tumorigenic in mice, and sensitive to imatinib in vitro. Review of this variant suggests a complicated deletion/duplication in which 13 nt are deleted from within exon 12 (breakpoints Chr 5: 149,505,080, Chr 5:149,505,067) and replaced by a duplicated portion of intron 14 and exon 15 (breakpoints intron 14-Chr 5: 149,502,780, exon 15-Chr 5:F2 149,502,629)

Responsive in vitro

Literature cited by the submitters: DOI 10.1101/mcs.a004440.